The following is an entry in ClinVar:

NM_006662.3(SRCAP):c.7631C>T (p.Pro2544Leu)

Gene: SRCAP (Snf2 related CREBBP activator protein; plus strand). Cytogenetic location: 16p11.2.
Variant type: single nucleotide variant.
Coding change: c.7631C>T on transcript NM_006662.3 (MANE Select); coding-DNA position 7631, C replaced by T.
Protein change: p.Pro2544Leu; replaces proline 2544 with leucine.
Molecular consequence: missense variant.
Genome position (GRCh38, 1-based): chr16:30,737,671, C>T. VCF-style: chr16-30737671-C-T. GRCh37 (hg19) VCF-style: chr16-30748992-C-T.
Other names: short protein forms P2544L.
Identifiers: ClinVar variation 4717199 (VCV004717199.1).

ClinVar aggregate classification (germline): Uncertain significance (1 of 4 stars; one submission).

Submission:

Labcorp Genetics (formerly Invitae), Labcorp
Classification: Uncertain significance. Last evaluated: 2025-02-13. Review status: criteria provided, single submitter. Criteria: Invitae Variant Classification Sherloc (09022015). Collection method: clinical testing. Allele origin: germline.
Comment: This sequence change replaces proline, which is neutral and non-polar, with leucine, which is neutral and non-polar, at codon 2544 of the SRCAP protein (p.Pro2544Leu). This variant is present in population databases (no rsID available, gnomAD 0.06%). This variant has not been reported in the literature in individuals affected with SRCAP-related conditions. Invitae Evidence Modeling of protein sequence and biophysical properties (such as structural, functional, and spatial information, amino acid conservation, physicochemical variation, residue mobility, and thermodynamic stability) indicates that this missense variant is not expected to disrupt SRCAP protein function with a negative predictive value of 80%. In summary, the available evidence is currently insufficient to determine the role of this variant in disease. Therefore, it has been classified as a Variant of Uncertain Significance.